The following is an entry in ClinVar:

NM_004863.4(SPTLC2):c.675G>T (p.Arg225Ser)

Gene: SPTLC2 (serine palmitoyltransferase long chain base subunit 2; minus strand). Cytogenetic location: 14q24.3.
Variant type: single nucleotide variant.
Coding change: c.675G>T on transcript NM_004863.4 (MANE Select); coding-DNA position 675, G replaced by T.
Protein change: p.Arg225Ser; replaces arginine 225 with serine.
Molecular consequence: missense variant.
Genome position (GRCh38, 1-based): chr14:77,570,465, C>A on the plus strand (G>T on the coding strand, the complement: SPTLC2 is on the minus strand). VCF-style: chr14-77570465-C-A. GRCh37 (hg19) VCF-style: chr14-78036808-C-A.
Other names: c.675G>T (NM_004863.3); short protein forms R225S.
Identifiers: ClinVar variation 1057415 (VCV001057415.10), dbSNP rs2079675267, ClinGen allele CA390712859.
Genomic context (GRCh38, chr14:77,570,465, plus strand): 5'-GTTCATTGAATTCGTTGCAAATCCCATGCCATACGCCATAGCAGCTTCTACTCCTAAGAA[C>A]CTTGCTACAAGCTCCTCTAGTTCTTCATGCTTGTCCAGGTTTCCTGTGTGAAGAAGTTAA-3'
Protein context (NP_004854.1, residues 215-235): KHEELEELVA[Arg225Ser]FLGVEAAMAY

ClinVar aggregate classification (germline): Conflicting classifications of pathogenicity. Review status: criteria provided, conflicting classifications (1 of 4 stars). 2 submissions from 2 submitters: Uncertain significance (1); Likely benign (1). Last evaluated 2023-04-18.

Conditions:
Inborn genetic diseases. Identifiers: MedGen C0950123, MeSH D030342.
Neuropathy, hereditary sensory and autonomic, type 1C. Also called: HSAN IC; HSN IC. Identifiers: Orphanet 36386, MedGen C3150896, MONDO:0013337, OMIM 613640.

Allele frequency attached by ClinVar (database versions not stated): gnomAD exomes below 0.00001.
gnomAD v4.1: 1 of 1,613,962 alleles (0.000062%); highest among the groups gnomAD compares: Non-Finnish European, 0.000085%; no homozygotes.

Submissions (2):

Ambry Genetics
Classification: Likely benign for Inborn genetic diseases. Last evaluated: 2023-04-18. Review status: criteria provided, single submitter. Criteria: Ambry Variant Classification Scheme 2023. Collection method: clinical testing. Allele origin: germline.

Labcorp Genetics (formerly Invitae), Labcorp
Classification: Uncertain significance for Neuropathy, hereditary sensory and autonomic, type 1C. Last evaluated: 2022-03-18. Review status: criteria provided, single submitter. Criteria: Invitae Variant Classification Sherloc (09022015). Collection method: clinical testing. Allele origin: germline.
Comment: This sequence change replaces arginine, which is basic and polar, with serine, which is neutral and polar, at codon 225 of the SPTLC2 protein (p.Arg225Ser). This variant is not present in population databases (gnomAD no frequency). This variant has not been reported in the literature in individuals affected with SPTLC2-related conditions. ClinVar contains an entry for this variant (Variation ID: 1057415). Algorithms developed to predict the effect of missense changes on protein structure and function output the following: SIFT: "Tolerated"; PolyPhen-2: "Benign"; Align-GVGD: "Class C0". The serine amino acid residue is found in multiple mammalian species, which suggests that this missense change does not adversely affect protein function. In summary, the available evidence is currently insufficient to determine the role of this variant in disease. Therefore, it has been classified as a Variant of Uncertain Significance.